The following is an entry in ClinVar:

ClinVar aggregate classification (germline): Pathogenic (1 of 4 stars; one submission).

Submission:

Labcorp Genetics (formerly Invitae), Labcorp
Classification: Pathogenic. Last evaluated: 2024-01-08. Review status: criteria provided, single submitter. Criteria: Invitae Variant Classification Sherloc (09022015). Collection method: clinical testing. Allele origin: germline.
Comment: This variant is a gross deletion of the genomic region encompassing exon(s) 22-23 of the CPLANE1 gene. This deletion is out-of-frame, and is expected to create a premature termination codon and result in an absent or disrupted protein product. Loss-of-function variants in CPLANE1 are known to be pathogenic (PMID: 24178751, 26092869). This variant has not been reported in the literature in individuals affected with CPLANE1-related conditions. For these reasons, this variant has been classified as Pathogenic.

Literature cited by the submitters: PubMed 24178751; PubMed 26092869.

NC_000005.9:g.(?_37187496)_(37187964_?)del

Gene: CPLANE1 (ciliogenesis and planar polarity effector complex subunit 1; minus strand). Cytogenetic location: 5p13.2.
Variant type: Deletion.
Identifiers: ClinVar variation 2426788 (VCV002426788.4).